The following is an entry in ClinVar:

NM_014989.7(RIMS1):c.2915T>C (p.Val972Ala)

Gene: RIMS1 (regulating synaptic membrane exocytosis 1; plus strand). Cytogenetic location: 6q13.
Variant type: single nucleotide variant.
Coding change: c.2915T>C on transcript NM_014989.7 (MANE Select); coding-DNA position 2915, T replaced by C.
Protein change: p.Val972Ala; replaces valine 972 with alanine.
Molecular consequence: missense variant.
Genome position (GRCh38, 1-based): chr6:72,258,269, T>C. VCF-style: chr6-72258269-T-C. GRCh37 (hg19) VCF-style: chr6-72967972-T-C.
Other names: c.1334T>C, p.Val445Ala (NM_001168407.2, NM_001350415.2, NM_001350418.2 and 19 more transcripts); c.1337T>C, p.Val446Ala (NM_001168408.2, NM_001350414.2, NM_001350416.2 and 15 more transcripts); c.1094T>C, p.Val365Ala (NM_001168409.2, NM_001350469.2, NM_001350464.2 and 3 more transcripts); c.1292T>C, p.Val431Ala (NM_001168410.2, NM_001350470.2, NM_001350473.2 and 1 more transcripts); c.1265T>C, p.Val422Ala (NM_001350430.2, NM_001350437.2, NM_001350450.2 and 2 more transcripts); c.1289T>C, p.Val430Ala (NM_001350472.2); c.1268T>C, p.Val423Ala (NM_001350424.2, NM_001350428.2, NM_001350459.2 and 1 more transcripts); c.1091T>C, p.Val364Ala (NM_001350461.2, NM_001350463.2, NM_001350468.2); short protein forms V431A, V422A, V423A, V446A, V972A, V364A, V430A, V365A.
Identifiers: ClinVar variation 2128467 (VCV002128467.4), dbSNP rs2552131181, ClinGen allele CA364681993.

ClinVar aggregate classification (germline): Uncertain significance (1 of 4 stars; one submission).

Submission:

Labcorp Genetics (formerly Invitae), Labcorp
Classification: Uncertain significance. Last evaluated: 2022-04-20. Review status: criteria provided, single submitter. Criteria: Invitae Variant Classification Sherloc (09022015). Collection method: clinical testing. Allele origin: germline.
Comment: In summary, the available evidence is currently insufficient to determine the role of this variant in disease. Therefore, it has been classified as a Variant of Uncertain Significance. Algorithms developed to predict the effect of missense changes on protein structure and function (SIFT, PolyPhen-2, Align-GVGD) all suggest that this variant is likely to be disruptive. This sequence change replaces valine, which is neutral and non-polar, with alanine, which is neutral and non-polar, at codon 972 of the RIMS1 protein (p.Val972Ala). This variant is not present in population databases (gnomAD no frequency). This variant has not been reported in the literature in individuals affected with RIMS1-related conditions.